The following is an entry in ClinVar:

NM_005120.3(MED12):c.4187C>T (p.Thr1396Ile)

Gene: MED12 (mediator complex subunit 12; plus strand). Cytogenetic location: Xq13.1.
Variant type: single nucleotide variant.
Coding change: c.4187C>T on transcript NM_005120.3 (MANE Select); coding-DNA position 4187, C replaced by T.
Protein change: p.Thr1396Ile; replaces threonine 1396 with isoleucine.
Molecular consequence: missense variant.
Genome position (GRCh38, 1-based): chrX:71,132,140, C>T. VCF-style: chrX-71132140-C-T. GRCh37 (hg19) VCF-style: chrX-70351990-C-T.
Other names: short protein forms T1396I.
Identifiers: ClinVar variation 2098441 (VCV002098441.4), dbSNP rs2519699362, ClinGen allele CA413525754.
Genomic context (GRCh38, chrX:71,132,140, plus strand): 5'-ACTCCCTCTTGGAGAACATCGCCAAGGCCACAATCGAGGTTTTCCAACAGTCAGCAGAGA[C>T]AGGGTCATCTTCTGGAAGTACTGCAAGCAACATGCCCAGCAGCAGCAAGACCAAGCCTGT-3'
Protein context (NP_005111.2, residues 1386-1406): TIEVFQQSAE[Thr1396Ile]GSSSGSTASN

ClinVar aggregate classification (germline): Uncertain significance (1 of 4 stars; one submission).

Conditions:
FG syndrome (FGS). Identifiers: MedGen C0220769, MONDO:0002010.

Submission:

Labcorp Genetics (formerly Invitae), Labcorp
Classification: Uncertain significance for FG syndrome. Last evaluated: 2022-02-18. Review status: criteria provided, single submitter. Criteria: Invitae Variant Classification Sherloc (09022015). Collection method: clinical testing. Allele origin: germline.
Comment: In summary, the available evidence is currently insufficient to determine the role of this variant in disease. Therefore, it has been classified as a Variant of Uncertain Significance. Advanced modeling of protein sequence and biophysical properties (such as structural, functional, and spatial information, amino acid conservation, physicochemical variation, residue mobility, and thermodynamic stability) performed at Invitae indicates that this missense variant is not expected to disrupt MED12 protein function. This variant has not been reported in the literature in individuals affected with MED12-related conditions. This variant is not present in population databases (gnomAD no frequency). This sequence change replaces threonine, which is neutral and polar, with isoleucine, which is neutral and non-polar, at codon 1396 of the MED12 protein (p.Thr1396Ile).